The following is an entry in ClinVar:

NM_182641.4(BPTF):c.2366del (p.Asn789fs)

Gene: BPTF (bromodomain PHD finger transcription factor; plus strand). Cytogenetic location: 17q24.2.
Variant type: Deletion.
Coding change: c.2366del on transcript NM_182641.4 (MANE Select); coding-DNA position 2366, one base deleted (A; older notation c.2366delA).
Protein change: p.Asn789fs; shifts the reading frame from asparagine 789.
Molecular consequence: frameshift variant.
Genome position (GRCh38, 1-based): chr17:67,893,680, A deleted; the last of 4 consecutive A bases (chr17:67,893,677-67,893,680); deleting any one gives the same sequence. VCF-style (leftmost placement, unchanged base first): chr17-67893676-GA-G. GRCh37 (hg19) VCF-style: chr17-65889792-GA-G.
Other names: c.2744del, p.Asn915fs (NM_004459.7); short protein forms N789fs, N915fs.
Identifiers: ClinVar variation 431073 (VCV000431073.7), dbSNP rs1555639076, ClinGen allele CA658658702.

ClinVar aggregate classification (germline): Pathogenic. Review status: criteria provided, single submitter (1 of 4 stars). 2 submissions from 2 submitters: Pathogenic (1). 1 of the submissions does not count toward it. Last evaluated 2020-02-13.

Conditions:
Inborn genetic diseases. Identifiers: MedGen C0950123, MeSH D030342.
Secondary microcephaly. Also called: Postnatal microcephaly. Identifiers: MedGen C0431352, HP:0005484.
Expressive language delay. Identifiers: MedGen C0454641, HP:0002474.
Global developmental delay (DD). Also called: Cognitive delay. Identifiers: MedGen C0557874, HP:0001263. Disease mechanism: loss of function.

Submissions (2):

Ambry Genetics
Classification: Pathogenic for Inborn genetic diseases. Last evaluated: 2020-02-13. Review status: criteria provided, single submitter. Criteria: Ambry Variant Classification Scheme 2023. Collection method: clinical testing. Allele origin: germline.
Comment: The alteration results in a premature stop codon: _x000D_ _x000D_ The c.2366delA (p.N789Tfs*36) alteration, located in coding exon 6 of the BPTF gene, results from a deletion of 1 nucleotide at position 2366, causing a translational frameshift with a predicted alternate stop codon after 36 amino acids. This alteration is expected to result in loss of function by premature protein truncation or nonsense-mediated mRNA decay. Based on the available evidence, this alteration is classified as pathogenic.

Baylor Genetics
Classification: Pathogenic for Secondary microcephaly; Expressive language delay; Global developmental delay. Last evaluated: 2017-07-03. Review status: no assertion criteria provided. Collection method: research. Allele origin: de novo. Inheritance: Autosomal dominant inheritance. Affected: yes. Study: BPTF_variants. Not counted in ClinVar's aggregate classification.

Literature cited by the submitters: PubMed 28942966 (cited by Baylor Genetics).